The following is an entry in ClinVar:

ClinVar aggregate classification (germline): Uncertain significance (1 of 4 stars; one submission).

Submission:

Labcorp Genetics (formerly Invitae), Labcorp
Classification: Uncertain significance. Last evaluated: 2023-03-08. Review status: criteria provided, single submitter. Criteria: Invitae Variant Classification Sherloc (09022015). Collection method: clinical testing. Allele origin: germline.
Comment: This sequence change replaces aspartic acid, which is acidic and polar, with valine, which is neutral and non-polar, at codon 434 of the MYLK3 protein (p.Asp434Val). This variant is not present in population databases (gnomAD no frequency). This variant has not been reported in the literature in individuals affected with MYLK3-related conditions. An algorithm developed to predict the effect of missense changes on protein structure and function (PolyPhen-2) suggests that this variant is likely to be disruptive. In summary, the available evidence is currently insufficient to determine the role of this variant in disease. Therefore, it has been classified as a Variant of Uncertain Significance.

NM_182493.3(MYLK3):c.1301A>T (p.Asp434Val)

Gene: MYLK3 (myosin light chain kinase 3; minus strand). Cytogenetic location: 16q11.2.
Variant type: single nucleotide variant.
Coding change: c.1301A>T on transcript NM_182493.3 (MANE Select); coding-DNA position 1301, A replaced by T.
Protein change: p.Asp434Val; replaces aspartic acid 434 with valine.
Molecular consequence: missense variant.
Genome position (GRCh38, 1-based): chr16:46,732,369, T>A on the plus strand (A>T on the coding strand, the complement: MYLK3 is on the minus strand). VCF-style: chr16-46732369-T-A. GRCh37 (hg19) VCF-style: chr16-46766281-T-A.
Other names: c.278A>T, p.Asp93Val (NM_001308301.1); short protein forms D93V, D434V.
Identifiers: ClinVar variation 2832147 (VCV002832147.3), dbSNP rs2548905923, ClinGen allele CA395792331.
Genomic context (GRCh38, chr16:46,732,369, plus strand): 5'-CCCGCCCCTGGGCTTTTGCCCTGCTGCAGGCCCAGGGCCCCAACCTCGTGGTCATTGTCG[T>A]CACTCCTGGCCAAGCTTGGTCTCGTGCCAGGCTCGGCCCCAGCCCTTTGCTCCTCCTCTG-3'
Protein context (NP_872299.2, residues 424-444): PGTRPSLARS[Asp434Val]DNDHEVGALG